The following is an entry in ClinVar:

NM_004260.4(RECQL4):c.3394-4A>T

Gene: RECQL4 (RecQ like helicase 4; minus strand). Cytogenetic location: 8q24.3.
Variant type: single nucleotide variant.
Coding change: c.3394-4A>T on transcript NM_004260.4 (MANE Select); 4 bases into the intron before coding-DNA position 3394, A replaced by T.
Molecular consequence: intron variant.
Genome position (GRCh38, 1-based): chr8:144,511,793, T>A on the plus strand (A>T on the coding strand, the complement: RECQL4 is on the minus strand). VCF-style: chr8-144511793-T-A. GRCh37 (hg19) VCF-style: chr8-145737176-T-A.
Identifiers: ClinVar variation 1046708 (VCV001046708.5), dbSNP rs777542762, ClinGen allele CA1826365361.

ClinVar aggregate classification (germline): Uncertain significance (1 of 4 stars; one submission).

Conditions:
Baller-Gerold syndrome (BGS). Also called: CRANIOSYNOSTOSIS WITH RADIAL DEFECTS. Identifiers: Orphanet 1225, MedGen C0265308, MONDO:0009039, OMIM 218600.

Submission:

Labcorp Genetics (formerly Invitae), Labcorp
Classification: Uncertain significance for Baller-Gerold syndrome. Last evaluated: 2020-07-09. Review status: criteria provided, single submitter. Criteria: Invitae Variant Classification Sherloc (09022015). Collection method: clinical testing. Allele origin: germline.
Comment: Algorithms developed to predict the effect of sequence changes on RNA splicing suggest that this variant may disrupt the consensus splice site, but this prediction has not been confirmed by published transcriptional studies. This sequence change falls in intron 19 of the RECQL4 gene. It does not directly change the encoded amino acid sequence of the RECQL4 protein. This variant is not present in population databases (ExAC no frequency). This variant has not been reported in the literature in individuals with RECQL4-related conditions. In summary, the available evidence is currently insufficient to determine the role of this variant in disease. Therefore, it has been classified as a Variant of Uncertain Significance.